The following is an entry in ClinVar:

ClinVar aggregate classification (germline): Pathogenic (1 of 4 stars; one submission).

Conditions:
Hermansky-Pudlak syndrome 3 (HPS3). Identifiers: Orphanet 231512, Orphanet 79430, MedGen C3888001, MONDO:0013555, OMIM 614072.

Submission:

Myriad Genetics, Inc.
Classification: Pathogenic for Hermansky-Pudlak syndrome 3. Last evaluated: 2024-05-14. Review status: criteria provided, single submitter. Criteria: Myriad Autosomal Dominant, Autosomal Recessive and X-Linked Classification Criteria (2023). Collection method: clinical testing. Allele origin: unknown.
Comment: NM_032383.3(HPS3):c.309_310ins11(V104Rfs*9) is expected to be pathogenic in the context of Hermansky-Pudlak syndrome, HPS3-related. This variant is predicted to lead to an abnormal or absent protein product due to the creation of a premature termination codon in HPS3, a gene where loss-of-function variants are known to be pathogenic. Please note: this variant was assessed in the context of healthy population screening.

NM_032383.5(HPS3):c.309_310insCGTGCTGCTGA (p.Val104fs)

Gene: HPS3 (HPS3 biogenesis of lysosomal organelles complex 2 subunit 1; plus strand). Cytogenetic location: 3q24.
Variant type: Insertion.
Coding change: c.309_310insCGTGCTGCTGA on transcript NM_032383.5 (MANE Select); coding-DNA positions 309 to 310, CGTGCTGCTGA inserted.
Protein change: p.Val104fs; shifts the reading frame from valine 104.
Molecular consequence: frameshift variant. On other transcripts: intron variant (1).
Genome position: GRCh38 VCF-style: chr3-149140095-T-TCGTGCTGCTGA. GRCh37 (hg19) VCF-style: chr3-148857882-T-TCGTGCTGCTGA.
Other names: c.218-922_218-921insCGTGCTGCTGA (NM_001308258.2); short protein forms V104fs.
Identifiers: ClinVar variation 5010367 (VCV005010367.1).